The following is an entry in ClinVar:

ClinVar aggregate classification (germline): Pathogenic (1 of 4 stars; one submission).

Submission:

Labcorp Genetics (formerly Invitae), Labcorp
Classification: Pathogenic. Last evaluated: 2022-05-25. Review status: criteria provided, single submitter. Criteria: Invitae Variant Classification Sherloc (09022015). Collection method: clinical testing. Allele origin: germline.
Comment: This variant is not present in population databases (gnomAD no frequency). This variant has not been reported in the literature in individuals affected with LAMC2-related conditions. For these reasons, this variant has been classified as Pathogenic. This sequence change creates a premature translational stop signal (p.Thr762Glnfs*3) in the LAMC2 gene. It is expected to result in an absent or disrupted protein product. Loss-of-function variants in LAMC2 are known to be pathogenic (PMID: 11907499, 16473856).

Literature cited by the submitters: PubMed 11907499; PubMed 16473856.

NM_005562.3(LAMC2):c.2283del (p.Thr762fs)

Gene: LAMC2 (laminin subunit gamma 2; plus strand). Cytogenetic location: 1q25.3.
Variant type: Deletion.
Coding change: c.2283del on transcript NM_005562.3 (MANE Select); coding-DNA position 2283, one base deleted (C; older notation c.2283delC).
Protein change: p.Thr762fs; shifts the reading frame from threonine 762.
Molecular consequence: frameshift variant.
Genome position (GRCh38, 1-based): chr1:183,234,429, C deleted; the last of 2 consecutive C bases (chr1:183,234,428-183,234,429); deleting either gives the same sequence. VCF-style (leftmost placement, unchanged base first): chr1-183234427-GC-G. GRCh37 (hg19) VCF-style: chr1-183203562-GC-G.
Other names: c.2283del, p.Thr762fs (NM_018891.3); short protein forms T762fs.
Identifiers: ClinVar variation 1998539 (VCV001998539.4), dbSNP rs2526100332, ClinGen allele CA2580061601.
Genomic context (GRCh38, chr1:183,234,427, plus strand): 5'-AACATTCCTGCCTCAGACCACTACGTGGGGCCAAATGGCTTTAAAAGTCTGGCTCAGGAG[GC>G]CACAAGATTAGCAGAAAGGTGAGCAGCATTAGAGGGCACCTCTGCTTCAAGCCGTCTCTG-3'